The following is an entry in ClinVar:

NM_000489.6(ATRX):c.3449A>G (p.Gln1150Arg)

Gene: ATRX (ATRX chromatin remodeler; minus strand). Cytogenetic location: Xq21.1.
Variant type: single nucleotide variant.
Coding change: c.3449A>G on transcript NM_000489.6 (MANE Select); coding-DNA position 3449, A replaced by G.
Protein change: p.Gln1150Arg; replaces glutamine 1150 with arginine.
Molecular consequence: missense variant.
Genome position (GRCh38, 1-based): chrX:77,681,807, T>C on the plus strand (A>G on the coding strand, the complement: ATRX is on the minus strand). VCF-style: chrX-77681807-T-C. GRCh37 (hg19) VCF-style: chrX-76937299-T-C.
Other names: c.3449A>G (NM_000489.3); c.3335A>G, p.Gln1112Arg (NM_138270.5); short protein forms Q1150R, Q1112R.
Identifiers: ClinVar variation 1420380 (VCV001420380.9), dbSNP rs2148573004, ClinGen allele CA413706471.

ClinVar aggregate classification (germline): Conflicting classifications of pathogenicity. Review status: criteria provided, conflicting classifications (1 of 4 stars). 3 submissions from 3 submitters: Uncertain significance (2); Likely benign (1). Last evaluated 2024-09-20.

Conditions:
Alpha thalassemia-X-linked intellectual disability syndrome (ATRX). Also called: ATR-X syndrome; Alpha thalassemia mental retardation syndrome, nondeletion type, X-linked; XLMR hypotonic face syndrome; X-linked alpha-thalassemia-mental retardation syndrome; ALPHA-THALASSEMIA/IMPAIRED INTELLECTUAL DEVELOPMENT SYNDROME, X-LINKED; ALPHA-THALASSEMIA/MENTAL RETARDATION SYNDROME, X-LINKED. Identifiers: Orphanet 847, MedGen C1845055, MONDO:0010519, OMIM 301040.
Inborn genetic diseases. Identifiers: MedGen C0950123, MeSH D030342.
Intellectual disability-hypotonic facies syndrome, X-linked, 1 (MRXHF1). Also called: CHUDLEY-LOWRY SYNDROME; Chudley syndrome 1; Chudley-Lowry-Hoar syndrome; Carpenter-Waziri syndrome; Smith Fineman Myers syndrome 1; HOLMES-GANG SYNDROME. Identifiers: Orphanet 73220, Orphanet 93970, Orphanet 93971, Orphanet 93972, Orphanet 93973, Orphanet 93974, Orphanet 93975, MedGen C4759781, MONDO:0010663, OMIM 309580.

Submissions (3):

3billion
Classification: Likely benign for Alpha thalassemia-X-linked intellectual disability syndrome; Intellectual disability-hypotonic facies syndrome, X-linked, 1. Last evaluated: 2024-09-20. Review status: criteria provided, single submitter. Criteria: ACMG Guidelines, 2015. Collection method: clinical testing. Allele origin: germline. Affected: no.
Comment: The hemizygous variant was found in patients diagnosed with another variant in a different gene, with no symptoms related to the gene containing the hemizygous variant.

Ambry Genetics
Classification: Uncertain significance for Inborn genetic diseases. Last evaluated: 2024-09-20. Review status: criteria provided, single submitter. Criteria: Ambry Variant Classification Scheme 2023. Collection method: clinical testing. Allele origin: germline.

Labcorp Genetics (formerly Invitae), Labcorp
Classification: Uncertain significance for Alpha thalassemia-X-linked intellectual disability syndrome. Last evaluated: 2024-09-11. Review status: criteria provided, single submitter. Criteria: Invitae Variant Classification Sherloc (09022015). Collection method: clinical testing. Allele origin: germline.
Comment: This sequence change replaces glutamine, which is neutral and polar, with arginine, which is basic and polar, at codon 1150 of the ATRX protein (p.Gln1150Arg). This variant is not present in population databases (gnomAD no frequency). This variant has not been reported in the literature in individuals affected with ATRX-related conditions. ClinVar contains an entry for this variant (Variation ID: 1420380). Invitae Evidence Modeling of protein sequence and biophysical properties (such as structural, functional, and spatial information, amino acid conservation, physicochemical variation, residue mobility, and thermodynamic stability) indicates that this missense variant is not expected to disrupt ATRX protein function with a negative predictive value of 95%. In summary, the available evidence is currently insufficient to determine the role of this variant in disease. Therefore, it has been classified as a Variant of Uncertain Significance.